The following is an entry in ClinVar:

NM_203446.3(SYNJ1):c.2943G>T (p.Met981Ile)

Gene: SYNJ1 (synaptojanin 1; minus strand). Cytogenetic location: 21q22.11.
Variant type: single nucleotide variant.
Coding change: c.2943G>T on transcript NM_203446.3 (MANE Select); coding-DNA position 2943, G replaced by T.
Protein change: p.Met981Ile; replaces methionine 981 with isoleucine.
Molecular consequence: missense variant.
Genome position (GRCh38, 1-based): chr21:32,650,278, C>A on the plus strand (G>T on the coding strand, the complement: SYNJ1 is on the minus strand). VCF-style: chr21-32650278-C-A. GRCh37 (hg19) VCF-style: chr21-34022588-C-A.
Other names: c.2943G>T, p.Met981Ile (NM_001160302.2); c.2928G>T, p.Met976Ile (NM_001160306.2); c.3060G>T, p.Met1020Ile (NM_003895.4); short protein forms M1020I, M981I, M976I.
Identifiers: ClinVar variation 544577 (VCV000544577.39), dbSNP rs115683257, ClinGen allele CA10003539.
Genomic context (GRCh38, chr21:32,650,278, plus strand): 5'-TTCACCAAGCAGGGTAGAGCTTGTTGATGATGGCAATGCAATGCTAATTTTCTCTAAACT[C>A]ATTTCTTCTTCCAAATTTTTGATCCAGTCTGGACTTTTTAAAGCAATAGTTATAGTCCGA-3'
Protein context (NP_982271.3, residues 971-991): PDWIKNLEEE[Met981Ile]SLEKISIALP

ClinVar aggregate classification (germline): Benign/Likely benign. Review status: criteria provided, multiple submitters, no conflicts (2 of 4 stars). 4 submissions from 4 submitters: Benign (1); Likely benign (3). Last evaluated 2026-01-28.

Conditions:
Early-onset Parkinson disease 20. Also called: PARKINSON DISEASE 20, AUTOSOMAL RECESSIVE EARLY-ONSET. Identifiers: Orphanet 391411, MedGen C3809824, MONDO:0014233, OMIM 615530.
Developmental and epileptic encephalopathy, 53. Also called: Epileptic encephalopathy, early infantile, 53. Identifiers: MedGen C4479313, MONDO:0033362, OMIM 617389.

Allele frequency attached by ClinVar (database versions not stated): gnomAD exomes 0.00061; ExAC 0.00072; 1000 Genomes Project 0.00220; TOPMed 0.00227; gnomAD 0.00228 and 0.00245; 1000 Genomes Project 30x 0.00234; ESP Exome Variant Server 0.00238.
gnomAD v4.1: 713 of 1,613,960 alleles (0.044%); highest among the groups gnomAD compares: African/African-American, 0.71%; 2 homozygotes.

Submissions (4):

Labcorp Genetics (formerly Invitae), Labcorp
Classification: Benign for Developmental and epileptic encephalopathy, 53; Early-onset Parkinson disease 20. Last evaluated: 2026-01-28. Review status: criteria provided, single submitter. Criteria: Invitae Variant Classification Sherloc (09022015). Collection method: clinical testing. Allele origin: germline.

Blueprint Genetics
Classification: Likely benign. Last evaluated: 2024-09-15. Review status: criteria provided, single submitter. Criteria: ACMG Guidelines, 2015. Collection method: clinical testing. Allele origin: germline.

CeGaT Center for Human Genetics Tuebingen
Classification: Likely benign. Last evaluated: 2023-12-01. Review status: criteria provided, single submitter. Criteria: CeGaT Center For Human Genetics Tuebingen Variant Classification Criteria Version 2. Collection method: clinical testing. Allele origin: germline. Affected: yes. Observed: 2 variant alleles.
Comment: SYNJ1: BS2

GeneDx
Classification: Likely benign. Last evaluated: 2021-02-04. Review status: criteria provided, single submitter. Criteria: GeneDx Variant Classification Process June 2021. Collection method: clinical testing. Allele origin: germline. Affected: yes.
Comment: This variant is associated with the following publications: (PMID: 27435091)